The following is an entry in ClinVar:

NM_001365999.1(SZT2):c.5657G>C (p.Gly1886Ala)

Gene: SZT2 (SZT2 subunit of KICSTOR complex; plus strand). Cytogenetic location: 1p34.2.
Variant type: single nucleotide variant.
Coding change: c.5657G>C on transcript NM_001365999.1 (MANE Select); coding-DNA position 5657, G replaced by C.
Protein change: p.Gly1886Ala; replaces glycine 1886 with alanine.
Molecular consequence: missense variant.
Genome position (GRCh38, 1-based): chr1:43,433,043, G>C. VCF-style: chr1-43433043-G-C. GRCh37 (hg19) VCF-style: chr1-43898714-G-C.
Other names: c.5486G>C, p.Gly1829Ala (NM_015284.4); short protein forms G1886A, G1829A.
Identifiers: ClinVar variation 2820535 (VCV002820535.3), dbSNP rs1261525954, ClinGen allele CA340026054.

ClinVar aggregate classification (germline): Uncertain significance (1 of 4 stars; one submission).

Allele frequency attached by ClinVar (database versions not stated): gnomAD exomes below 0.00001.
gnomAD v4.1: 2 of 1,614,128 alleles (0.00012%); highest among the groups gnomAD compares: South Asian, 0.0022%; no homozygotes.

Submission:

Labcorp Genetics (formerly Invitae), Labcorp
Classification: Uncertain significance. Last evaluated: 2023-02-16. Review status: criteria provided, single submitter. Criteria: Invitae Variant Classification Sherloc (09022015). Collection method: clinical testing. Allele origin: germline.
Comment: In summary, the available evidence is currently insufficient to determine the role of this variant in disease. Therefore, it has been classified as a Variant of Uncertain Significance. Advanced modeling of protein sequence and biophysical properties (such as structural, functional, and spatial information, amino acid conservation, physicochemical variation, residue mobility, and thermodynamic stability) performed at Invitae indicates that this missense variant is not expected to disrupt SZT2 protein function. This variant has not been reported in the literature in individuals affected with SZT2-related conditions. This variant is present in population databases (no rsID available, gnomAD 0.003%). This sequence change replaces glycine, which is neutral and non-polar, with alanine, which is neutral and non-polar, at codon 1829 of the SZT2 protein (p.Gly1829Ala).